The following is an entry in ClinVar:

NM_078629.4(MSL3):c.61G>A (p.Glu21Lys)

Genes: MSL3 (MSL complex subunit 3; plus strand), LOC113845784 (Sharpr-MPRA regulatory region 2065; plus strand). Cytogenetic location: Xp22.2.
Variant type: single nucleotide variant.
Coding change: c.61G>A on transcript NM_078629.4 (MANE Select); coding-DNA position 61, G replaced by A.
Protein change: p.Glu21Lys; replaces glutamic acid 21 with lysine.
Molecular consequence: missense variant. On other transcripts: 5 prime UTR variant (1).
Genome position (GRCh38, 1-based): chrX:11,758,324, G>A. VCF-style: chrX-11758324-G-A. GRCh37 (hg19) VCF-style: chrX-11776443-G-A.
Other names: c.-304G>A (NM_001282174.1); c.61G>A, p.Glu21Lys (NM_078628.2); short protein forms E21K.
Identifiers: ClinVar variation 2631344 (VCV002631344.2), dbSNP rs867930595, ClinGen allele CA412062303.

ClinVar aggregate classification (germline): Uncertain significance (1 of 4 stars; one submission).

Conditions:
MSL3-related disorder. Also called: MSL3-related condition.

Submission:

PreventionGenetics, part of Exact Sciences
Classification: Uncertain significance for MSL3-related condition. Last evaluated: 2025-07-16. Review status: criteria provided, single submitter. Criteria: ACMG Guidelines, 2015. Collection method: clinical testing. Allele origin: germline.
Comment: The MSL3 c.61G>A variant is predicted to result in the amino acid substitution p.Glu21Lys. To our knowledge, this variant has not been reported in the literature or in a large population database (gnomAD), indicating this variant is rare. At this time, the clinical significance of this variant is uncertain due to the absence of conclusive functional and genetic evidence.